The following is an entry in ClinVar:

ClinVar aggregate classification (germline): Likely benign. Review status: criteria provided, multiple submitters, no conflicts (2 of 4 stars). 2 submissions from 2 submitters: Likely benign (2). Last evaluated 2020-08-24.

Allele frequency attached by ClinVar (database versions not stated): gnomAD exomes below 0.00001.

Submissions (2):

Blueprint Genetics
Classification: Likely benign. Last evaluated: 2020-08-24. Review status: criteria provided, single submitter. Criteria: ACMG Guidelines, 2015. Collection method: clinical testing. Allele origin: germline.

GeneDx
Classification: Likely benign. Last evaluated: 2016-05-12. Review status: criteria provided, single submitter. Criteria: GeneDx Variant Classification (06012015). Collection method: clinical testing. Allele origin: germline. Affected: yes.
Comment: This variant is considered likely benign or benign based on one or more of the following criteria: it is a conservative change, it occurs at a poorly conserved position in the protein, it is predicted to be benign by multiple in silico algorithms, and/or has population frequency not consistent with disease.

NM_002230.4(JUP):c.*14A>C

Gene: JUP (junction plakoglobin; minus strand). Cytogenetic location: 17q21.2.
Variant type: single nucleotide variant.
Coding change: c.*14A>C on transcript NM_002230.4 (MANE Select); 14 bases downstream of the stop codon, A replaced by C.
Molecular consequence: 3 prime UTR variant.
Genome position (GRCh38, 1-based): chr17:41,755,730, T>G on the plus strand (A>C on the coding strand, the complement: JUP is on the minus strand). VCF-style: chr17-41755730-T-G. GRCh37 (hg19) VCF-style: chr17-39911982-T-G.
Other names: c.*14A>C (NM_001352773.2, NM_001352774.2, NM_001352775.2 and 3 more transcripts).
Identifiers: ClinVar variation 386211 (VCV000386211.2), dbSNP rs1057522449, ClinGen allele CA16607623.